The following is an entry in ClinVar:

ClinVar aggregate classification (germline): Uncertain significance (1 of 4 stars; one submission).

Allele frequency attached by ClinVar (database versions not stated): gnomAD exomes below 0.00001.
gnomAD v4.1: 1 of 1,549,994 alleles (0.000065%); highest among the groups gnomAD compares: Middle Eastern, 0.017%; no homozygotes.

Submission:

GeneDx
Classification: Uncertain significance. Last evaluated: 2024-04-23. Review status: criteria provided, single submitter. Criteria: GeneDx Variant Classification Process June 2021. Collection method: clinical testing. Allele origin: germline.
Comment: Not observed at significant frequency in large population cohorts (gnomAD); In silico analysis supports that this missense variant has a deleterious effect on protein structure/function; Has not been previously published as pathogenic or benign to our knowledge

NM_020928.2(ZSWIM6):c.2783T>G (p.Val928Gly)

Gene: ZSWIM6 (zinc finger SWIM-type containing 6; plus strand). Cytogenetic location: 5q12.1.
Variant type: single nucleotide variant.
Coding change: c.2783T>G on transcript NM_020928.2 (MANE Select); coding-DNA position 2783, T replaced by G.
Protein change: p.Val928Gly; replaces valine 928 with glycine.
Molecular consequence: missense variant.
Genome position (GRCh38, 1-based): chr5:61,541,963, T>G. VCF-style: chr5-61541963-T-G. GRCh37 (hg19) VCF-style: chr5-60837790-T-G.
Other names: short protein forms V928G.
Identifiers: ClinVar variation 2579864 (VCV002579864.2), dbSNP rs2478401482, ClinGen allele CA359946141.